The following is an entry in ClinVar:

ClinVar aggregate classification (germline): Benign/Likely benign. Review status: criteria provided, multiple submitters, no conflicts (2 of 4 stars). 3 submissions from 3 submitters: Benign (1); Likely benign (2). Last evaluated 2025-02-14.

Conditions:
Breast-ovarian cancer, familial, susceptibility to, 3. Also called: RAD51C-Related Breast/Ovarian Cancer. Identifiers: Orphanet 145, MedGen C3150659, MONDO:0013253, OMIM 613399.
Hereditary cancer-predisposing syndrome. Also called: Hereditary neoplastic syndrome; Tumor predisposition; Neoplastic Syndromes, Hereditary; Hereditary Cancer Syndrome. Identifiers: Orphanet 140162, MedGen C0027672, MeSH D009386, MONDO:0015356.
Fanconi anemia complementation group O. Also called: RAD51C-Related Fanconi Anemia. Identifiers: Orphanet 84, MedGen C3150653, MONDO:0013248, OMIM 613390.

Allele frequency attached by ClinVar (database versions not stated): gnomAD exomes below 0.00001.
gnomAD v4.1: 1 of 1,614,090 alleles (0.000062%); highest among the groups gnomAD compares: Non-Finnish European, 0.000085%; no homozygotes.

Submissions (3):

Myriad Genetics, Inc.
Classification: Benign for Breast-ovarian cancer, familial, susceptibility to, 3. Last evaluated: 2025-02-14. Review status: criteria provided, single submitter. Criteria: Myriad Autosomal Dominant, Autosomal Recessive and X-Linked Classification Criteria (2023). Collection method: clinical testing. Allele origin: unknown.
Comment: This variant is considered benign. This variant is a silent/synonymous amino acid change and it is not expected to impact splicing.

Ambry Genetics
Classification: Likely benign for Hereditary cancer-predisposing syndrome. Last evaluated: 2023-09-07. Review status: criteria provided, single submitter. Criteria: Ambry Variant Classification Scheme 2023. Collection method: clinical testing. Allele origin: germline.

Labcorp Genetics (formerly Invitae), Labcorp
Classification: Likely benign for Fanconi anemia complementation group O. Last evaluated: 2019-06-22. Review status: criteria provided, single submitter. Criteria: Invitae Variant Classification Sherloc (09022015). Collection method: clinical testing. Allele origin: germline.

NM_058216.3(RAD51C):c.279G>A (p.Gln93=)

Gene: RAD51C (RAD51 paralog C; plus strand). Cytogenetic location: 17q22.
Variant type: single nucleotide variant.
Coding change: c.279G>A on transcript NM_058216.3 (MANE Select); coding-DNA position 279, G replaced by A.
Protein change: p.Gln93=; no amino-acid change (glutamine 93 retained).
Molecular consequence: synonymous variant. On other transcripts: non-coding transcript variant (2).
Genome position (GRCh38, 1-based): chr17:58,695,064, G>A. VCF-style: chr17-58695064-G-A. GRCh37 (hg19) VCF-style: chr17-56772425-G-A.
Other names: c.279G>A (NM_058216.1); c.279G>A, p.Gln93= (NM_002876.4).
Identifiers: ClinVar variation 1107057 (VCV001107057.11), dbSNP rs2143722921, ClinGen allele CA501074643.